The following is an entry in ClinVar:

ClinVar aggregate classification (germline): Likely pathogenic (1 of 4 stars; one submission).

Conditions:
Hypotonia, ataxia, and delayed development syndrome (HADDS). Also called: EBF3 Neurodevelopmental Disorder. Identifiers: Orphanet 658843, MedGen C4310618, MONDO:0015021, OMIM 617330.

Submission:

Victorian Clinical Genetics Services, Murdoch Childrens Research Institute
Classification: Likely pathogenic for Hypotonia, ataxia, and delayed development syndrome. Last evaluated: 2024-10-10. Review status: criteria provided, single submitter. Criteria: ACMG Guidelines, 2015. Collection method: clinical testing. Allele origin: germline. Inheritance: Autosomal dominant inheritance. Affected: yes.
Comment: Based on the classification scheme VCGS_Germline_v1.3.5, this variant is classified as Likely Pathogenic. Following criteria are met: 0103 - Loss of function and dominant nnegative are known mechanisms of disease in this gene and are associated with hypotonia, ataxia, and delayed development syndrome (MIM#617330) (PMID: 33956416). (I) 0107 - This gene is associated with autosomal dominant disease. (I) 0200 - Variant is predicted to result in a missense amino acid change from arginine to serine. (I) 0251 - This variant is heterozygous. (I) 0301 - Variant is absent from gnomAD (v2, v3 and v4). (SP) 0309 - An alternative amino acid change at the same position has been observed in gnomAD (v4; 1 heterozygote, 0 homozygotes). (I) 0501 - Missense variant consistently predicted to be damaging by multiple in silico tools or highly conserved with a major amino acid change. (SP) 0603 - Missense variant in a region that is highly intolerant to missense variation (high constraint region in DECIPHER). (SP) 0710 - Other missense variants comparable to the one identified in this case have inconclusive previous evidence for pathogenicity. p.(Arg185Thr) has one VUS entry (ClinVar), and p.(Arg185Lys) has one likely pathogenic and one VUS entry (ClinVar). (I) 0807 - This variant has no previous evidence of pathogenicity. (I) 0905 - No published segregation evidence has been identified for this variant. (I) 1007 - No published functional evidence has been identified for this variant. (SP) Legend: (SP) - Supporting pathogenic, (I) - Information, (SB) - Supporting benign

Literature cited by the submitters: PubMed 33956416.

NM_001375380.1(EBF3):c.555A>C (p.Arg185Ser)

Gene: EBF3 (EBF transcription factor 3; minus strand). Cytogenetic location: 10q26.3.
Variant type: single nucleotide variant.
Coding change: c.555A>C on transcript NM_001375380.1 (MANE Select); coding-DNA position 555, A replaced by C.
Protein change: p.Arg185Ser; replaces arginine 185 with serine.
Molecular consequence: missense variant.
Genome position (GRCh38, 1-based): chr10:129,877,849, T>G on the plus strand (A>C on the coding strand, the complement: EBF3 is on the minus strand). VCF-style: chr10-129877849-T-G. GRCh37 (hg19) VCF-style: chr10-131676113-T-G.
Other names: c.555A>C, p.Arg185Ser (NM_001005463.3, NM_001375379.1, NM_001375389.1 and 3 more transcripts); short protein forms R185S.
Identifiers: ClinVar variation 3377183 (VCV003377183.1).